The following is an entry in ClinVar:

ClinVar aggregate classification (germline): Pathogenic (1 of 4 stars; one submission).

Submission:

Labcorp Genetics (formerly Invitae), Labcorp
Classification: Pathogenic. Last evaluated: 2023-02-24. Review status: criteria provided, single submitter. Criteria: Invitae Variant Classification Sherloc (09022015). Collection method: clinical testing. Allele origin: unknown.
Comment: This variant is a gross deletion of the genomic region encompassing exon(s) 16-25 of the PNPT1 gene. This deletion is out-of-frame, and is expected to create a premature termination codon and result in an absent or disrupted protein product. Loss-of-function variants in PNPT1 are known to be pathogenic (PMID: 28594066, 30244537). This variant has not been reported in the literature in individuals affected with PNPT1-related conditions. For these reasons, this variant has been classified as Pathogenic.

Literature cited by the submitters: PubMed 28594066; PubMed 30244537.

NC_000002.11:g.(?_55870273)_(55883526_?)del

Gene: PNPT1 (polyribonucleotide nucleotidyltransferase 1; minus strand). Cytogenetic location: 2p16.1.
Variant type: Deletion.
Identifiers: ClinVar variation 3247575 (VCV003247575.1).